The following is an entry in ClinVar:

NM_003073.5(SMARCB1):c.478A>G (p.Lys160Glu)

Gene: SMARCB1 (SWI/SNF related BAF chromatin remodeling complex subunit B1; plus strand). Cytogenetic location: 22q11.23.
Variant type: single nucleotide variant.
Coding change: c.478A>G on transcript NM_003073.5 (MANE Select); coding-DNA position 478, A replaced by G.
Protein change: p.Lys160Glu; replaces lysine 160 with glutamic acid.
Molecular consequence: missense variant.
Genome position (GRCh38, 1-based): chr22:23,801,059, A>G. VCF-style: chr22-23801059-A-G. GRCh37 (hg19) VCF-style: chr22-24143246-A-G.
Other names: c.451A>G, p.Lys151Glu (NM_001007468.3, NM_001317946.2); c.478A>G, p.Lys160Glu (NM_001362877.2); short protein forms K160E, K151E.
Identifiers: ClinVar variation 3958511 (VCV003958511.1).

ClinVar aggregate classification (germline): Uncertain significance (1 of 4 stars; one submission).

Conditions:
Hereditary cancer-predisposing syndrome. Also called: Tumor predisposition; Hereditary neoplastic syndrome; Hereditary Cancer Syndrome; Neoplastic Syndromes, Hereditary. Identifiers: Orphanet 140162, MedGen C0027672, MeSH D009386, MONDO:0015356.

gnomAD v4.1: 1 of 1,614,158 alleles (0.000062%); highest among the groups gnomAD compares: Non-Finnish European, 0.000085%; no homozygotes.

Submission:

Ambry Genetics
Classification: Uncertain significance for Hereditary cancer-predisposing syndrome. Last evaluated: 2025-03-21. Review status: criteria provided, single submitter. Criteria: Ambry Variant Classification Scheme 2023. Collection method: clinical testing. Allele origin: germline.
Comment: The p.K160E variant (also known as c.478A>G), located in coding exon 4 of the SMARCB1 gene, results from an A to G substitution at nucleotide position 478. The lysine at codon 160 is replaced by glutamic acid, an amino acid with similar properties. This amino acid position is highly conserved in available vertebrate species. In addition, this alteration is predicted to be deleterious by in silico analysis. Based on the available evidence, the clinical significance of this variant remains unclear.